The following is an entry in ClinVar:

ClinVar aggregate classification (germline): Uncertain significance. Review status: criteria provided, multiple submitters, no conflicts (2 of 4 stars). 2 submissions from 2 submitters: Uncertain significance (2). Last evaluated 2025-09-26.

Conditions:
Loeys-Dietz syndrome 2 (LDS2). Also called: TGFBR2-Related Loeys-Dietz Syndrome; AORTIC ANEURYSM, FAMILIAL THORACIC 3; MARFAN SYNDROME, TYPE II; Marfan Syndrome type 2; Marfan like connective tissue disorder; MFS 2. Identifiers: Orphanet 284973, Orphanet 558, MedGen C2674574, MONDO:0012427, OMIM 610168.

Allele frequency attached by ClinVar (database versions not stated): gnomAD below 0.00001 and 0.00002; TOPMed 0.00001; gnomAD exomes 0.00002 and 0.00004; ExAC 0.00003.
gnomAD v4.1: 30 of 1,614,100 alleles (0.0019%); highest among the groups gnomAD compares: South Asian, 0.018%; no homozygotes.

Submissions (2):

Labcorp Genetics (formerly Invitae), Labcorp
Classification: Uncertain significance for Loeys-Dietz syndrome 2. Last evaluated: 2025-09-26. Review status: criteria provided, single submitter. Criteria: Invitae Variant Classification Sherloc (09022015). Collection method: clinical testing. Allele origin: germline.
Comment: This sequence change replaces isoleucine, which is neutral and non-polar, with valine, which is neutral and non-polar, at codon 377 of the TMPO protein (p.Ile377Val). This variant is present in population databases (rs779658294, gnomAD 0.01%). This variant has not been reported in the literature in individuals affected with TMPO-related conditions. ClinVar contains an entry for this variant (Variation ID: 992271). Invitae Evidence Modeling of protein sequence and biophysical properties (such as structural, functional, and spatial information, amino acid conservation, physicochemical variation, residue mobility, and thermodynamic stability) indicates that this missense variant is not expected to disrupt TMPO protein function with a negative predictive value of 80%. In summary, the available evidence is currently insufficient to determine the role of this variant in disease. Therefore, it has been classified as a Variant of Uncertain Significance.

Women's Health and Genetics/Laboratory Corporation of America, LabCorp
Classification: Uncertain significance. Last evaluated: 2020-12-29. Review status: criteria provided, single submitter. Criteria: LabCorp Variant Classification Summary - May 2015. Collection method: clinical testing. Allele origin: germline.
Comment: Variant summary: TMPO c.1129A>G (p.Ile377Val) results in a conservative amino acid change in the encoded protein sequence. Three of five in-silico tools predict a benign effect of the variant on protein function. The variant allele was found at a frequency of 3.6e-05 in 251428 control chromosomes. The available data on variant occurrences in the general population are insufficient to allow any conclusion about variant significance. To our knowledge, no occurrence of c.1129A>G in individuals affected with Dilated Cardiomyopathy and no experimental evidence demonstrating its impact on protein function have been reported. No clinical diagnostic laboratories have submitted clinical-significance assessments for this variant to ClinVar after 2014. Based on the evidence outlined above, the variant was classified as uncertain significance.

NM_001032283.3(TMPO):c.565+1548A>G

Gene: TMPO (thymopoietin; plus strand). Cytogenetic location: 12q23.1.
Variant type: single nucleotide variant.
Coding change: c.565+1548A>G on transcript NM_001032283.3 (MANE Select); 1548 bases into the intron after coding-DNA position 565, A replaced by G.
Molecular consequence: intron variant. On other transcripts: missense variant (1).
Genome position (GRCh38, 1-based): chr12:98,533,386, A>G. VCF-style: chr12-98533386-A-G. GRCh37 (hg19) VCF-style: chr12-98927164-A-G.
Other names: c.1129A>G, p.Ile377Val (NM_003276.2); c.565+1548A>G (NM_001307975.2, NM_001032284.3); short protein forms I377V.
Identifiers: ClinVar variation 992271 (VCV000992271.6), dbSNP rs779658294, ClinGen allele CA6732364.
Genomic context (GRCh38, chr12:98,533,386, plus strand): 5'-AGGAAAGCACTAGAAGAGTCTGAGAGCTCACAACTAATTTCTCCGCCACTTGCCCAGGCA[A>G]TCAGAGATTATGTCAATTCTCTGTTGGTCCAGGGTGGGGTAGGTAGTTTGCCTGGAACTT-3'